The following is an entry in ClinVar:

ClinVar aggregate classification (germline): Uncertain significance. Review status: criteria provided, multiple submitters, no conflicts (2 of 4 stars). 2 submissions from 2 submitters: Uncertain significance (2). Last evaluated 2024-11-20.

Conditions:
Inborn genetic diseases. Identifiers: MedGen C0950123, MeSH D030342.

Allele frequency attached by ClinVar (database versions not stated): gnomAD 0.00001; gnomAD exomes 0.00001; TOPMed 0.00002; ExAC 0.00010.
gnomAD v4.1: 21 of 1,609,852 alleles (0.0013%); highest among the groups gnomAD compares: Admixed American, 0.034%; no homozygotes.

Submissions (2):

Ambry Genetics
Classification: Uncertain significance for Inborn genetic diseases. Last evaluated: 2024-11-20. Review status: criteria provided, single submitter. Criteria: Ambry Variant Classification Scheme 2023. Collection method: clinical testing. Allele origin: germline.

Labcorp Genetics (formerly Invitae), Labcorp
Classification: Uncertain significance. Last evaluated: 2022-08-05. Review status: criteria provided, single submitter. Criteria: Invitae Variant Classification Sherloc (09022015). Collection method: clinical testing. Allele origin: germline.
Comment: This sequence change replaces arginine, which is basic and polar, with histidine, which is basic and polar, at codon 2001 of the DOCK6 protein (p.Arg2001His). This variant is present in population databases (rs769851158, gnomAD 0.05%). This variant has not been reported in the literature in individuals affected with DOCK6-related conditions. Algorithms developed to predict the effect of missense changes on protein structure and function are either unavailable or do not agree on the potential impact of this missense change (SIFT: "Deleterious"; PolyPhen-2: "Probably Damaging"; Align-GVGD: "Class C0"). In summary, the available evidence is currently insufficient to determine the role of this variant in disease. Therefore, it has been classified as a Variant of Uncertain Significance.

NM_020812.4(DOCK6):c.6002G>A (p.Arg2001His)

Gene: DOCK6 (dedicator of cytokinesis 6; minus strand). Cytogenetic location: 19p13.2.
Variant type: single nucleotide variant.
Coding change: c.6002G>A on transcript NM_020812.4 (MANE Select); coding-DNA position 6002, G replaced by A.
Protein change: p.Arg2001His; replaces arginine 2001 with histidine.
Molecular consequence: missense variant.
Genome position (GRCh38, 1-based): chr19:11,200,407, C>T on the plus strand (G>A on the coding strand, the complement: DOCK6 is on the minus strand). VCF-style: chr19-11200407-C-T. GRCh37 (hg19) VCF-style: chr19-11311083-C-T.
Other names: c.6107G>A, p.Arg2036His (NM_001367830.1); c.6002G>A (NM_020812.2); short protein forms R2001H, R2036H.
Identifiers: ClinVar variation 2183265 (VCV002183265.2), dbSNP rs769851158, ClinGen allele CA9206256.